The following is an entry in ClinVar:

ClinVar aggregate classification (germline): Pathogenic (1 of 4 stars; one submission).

Submission:

Labcorp Genetics (formerly Invitae), Labcorp
Classification: Pathogenic. Last evaluated: 2026-01-22. Review status: criteria provided, single submitter. Criteria: Invitae Variant Classification Sherloc (09022015). Collection method: clinical testing. Allele origin: germline.
Comment: This sequence change creates a premature translational stop signal (p.Gly5Alafs*33) in the DGAT1 gene. It is expected to result in an absent or disrupted protein product. Loss-of-function variants in DGAT1 are known to be pathogenic (PMID: 29604290). This variant is not present in population databases (gnomAD no frequency). This variant has not been reported in the literature in individuals affected with DGAT1-related conditions. Algorithms developed to predict the effect of sequence changes on RNA splicing suggest that this variant may disrupt the consensus splice site. For these reasons, this variant has been classified as Pathogenic.

Literature cited by the submitters: PubMed 29604290.

NM_012079.6(DGAT1):c.14_138del (p.Gly5fs)

Genes: DGAT1 (diacylglycerol O-acyltransferase 1; minus strand), LOC130001385 (ATAC-STARR-seq lymphoblastoid silent region 19672; plus strand), LOC130001386 (ATAC-STARR-seq lymphoblastoid silent region 19673; plus strand). Cytogenetic location: 8q24.3.
Variant type: Deletion.
Coding change: c.14_138del on transcript NM_012079.6 (MANE Select); coding-DNA positions 14 to 138, 125 bases deleted.
Protein change: p.Gly5fs; shifts the reading frame from glycine 5.
Molecular consequence: frameshift variant.
Genome position (GRCh38, 1-based): chr8:144,326,499-144,326,623, 125 bases deleted. GRCh37 (hg19): chr8:145,550,166-145,550,290.
Other names: short protein forms G5fs.
Identifiers: ClinVar variation 2850963 (VCV002850963.3), dbSNP rs2488972726, ClinGen allele CA2739269030.